The following is an entry in ClinVar:

NM_000784.4(CYP27A1):c.412G>C (p.Asp138His)

Gene: CYP27A1 (cytochrome P450 family 27 subfamily A member 1; plus strand). Cytogenetic location: 2q35.
Variant type: single nucleotide variant.
Coding change: c.412G>C on transcript NM_000784.4 (MANE Select); coding-DNA position 412, G replaced by C.
Protein change: p.Asp138His; replaces aspartic acid 138 with histidine.
Molecular consequence: missense variant.
Genome position (GRCh38, 1-based): chr2:218,809,733, G>C. VCF-style: chr2-218809733-G-C. GRCh37 (hg19) VCF-style: chr2-219674456-G-C.
Other names: short protein forms D138H.
Identifiers: ClinVar variation 2062750 (VCV002062750.2), dbSNP rs764118885, ClinGen allele CA2112583.

ClinVar aggregate classification (germline): Uncertain significance (1 of 4 stars; one submission).

Conditions:
Cholestanol storage disease (CTX). Also called: CTX: Cerebrotendinous xanthomatosis; CEREBRAL CHOLESTERINOSIS; Cerebrotendinous Xanthomatosis. Identifiers: Orphanet 909, MedGen C0238052, MONDO:0008948, OMIM 213700.

Allele frequency attached by ClinVar (database versions not stated): TOPMed 0.00002.
gnomAD v4.1: 2 of 1,613,938 alleles (0.00012%); highest among the groups gnomAD compares: Admixed American, 0.0017%; no homozygotes.

Submission:

Labcorp Genetics (formerly Invitae), Labcorp
Classification: Uncertain significance for Cholestanol storage disease. Last evaluated: 2023-12-19. Review status: criteria provided, single submitter. Criteria: Invitae Variant Classification Sherloc (09022015). Collection method: clinical testing. Allele origin: germline.
Comment: This sequence change replaces aspartic acid, which is acidic and polar, with histidine, which is basic and polar, at codon 138 of the CYP27A1 protein (p.Asp138His). This variant is present in population databases (rs764118885, gnomAD 0.003%). This variant has not been reported in the literature in individuals affected with CYP27A1-related conditions. ClinVar contains an entry for this variant (Variation ID: 2062750). Advanced modeling of protein sequence and biophysical properties (such as structural, functional, and spatial information, amino acid conservation, physicochemical variation, residue mobility, and thermodynamic stability) performed at Invitae indicates that this missense variant is not expected to disrupt CYP27A1 protein function with a negative predictive value of 95%. In summary, the available evidence is currently insufficient to determine the role of this variant in disease. Therefore, it has been classified as a Variant of Uncertain Significance.